The following is an entry in ClinVar:

NM_001379291.1(BRD4):c.3735C>T (p.Ala1245=)

Gene: BRD4 (bromodomain containing 4; minus strand). Cytogenetic location: 19p13.12.
Variant type: single nucleotide variant.
Coding change: c.3735C>T on transcript NM_001379291.1 (MANE Select); coding-DNA position 3735, C replaced by T.
Protein change: p.Ala1245=; no amino-acid change (alanine 1245 retained).
Molecular consequence: synonymous variant.
Genome position (GRCh38, 1-based): chr19:15,239,106, G>A on the plus strand (C>T on the coding strand, the complement: BRD4 is on the minus strand). VCF-style: chr19-15239106-G-A. GRCh37 (hg19) VCF-style: chr19-15349917-G-A.
Other names: c.3735C>T, p.Ala1245= (NM_058243.3).
Identifiers: ClinVar variation 2068917 (VCV002068917.23), dbSNP rs201209267, ClinGen allele CA9264555.
Genomic context (GRCh38, chr19:15,239,106, plus strand): 5'-GACACCCGCCCACCTCATGCGCTCCTGCCGCAGCCGCTCCTTCTCCTTCTCAGCGTGCTC[G>A]GCCTGAGCCTTCAGGGCCTTCTCACGCTCCTCTTTCTCCCGAGCGGCGCGGCGGAACTGC-3'
Protein context (NP_001366220.1, residues 1235-1255): EEREKALKAQ[Ala1245=]EHAEKEKERL

ClinVar aggregate classification (germline): Likely benign. Review status: criteria provided, multiple submitters, no conflicts (2 of 4 stars). 2 submissions from 2 submitters: Likely benign (2). Last evaluated 2024-05-01.

Allele frequency attached by ClinVar (database versions not stated): TOPMed 0.00003; gnomAD 0.00005.
gnomAD v4.1: 82 of 1,608,212 alleles (0.0051%); highest among the groups gnomAD compares: Middle Eastern, 0.05%; no homozygotes.

Submissions (2):

CeGaT Center for Human Genetics Tuebingen
Classification: Likely benign. Last evaluated: 2024-05-01. Review status: criteria provided, single submitter. Criteria: CeGaT Center For Human Genetics Tuebingen Variant Classification Criteria Version 2. Collection method: clinical testing. Allele origin: germline. Affected: yes. Observed: 1 variant allele.
Comment: BRD4: BP4, BP7

Labcorp Genetics (formerly Invitae), Labcorp
Classification: Likely benign. Last evaluated: 2022-05-13. Review status: criteria provided, single submitter. Criteria: Invitae Variant Classification Sherloc (09022015). Collection method: clinical testing. Allele origin: germline.